The following is an entry in ClinVar:

NM_005716.4(GIPC1):c.438C>T (p.Thr146=)

Gene: GIPC1 (GIPC PDZ domain containing family member 1; minus strand). Cytogenetic location: 19p13.12.
Variant type: single nucleotide variant.
Coding change: c.438C>T on transcript NM_005716.4 (MANE Select); coding-DNA position 438, C replaced by T.
Protein change: p.Thr146=; no amino-acid change (threonine 146 retained).
Molecular consequence: synonymous variant.
Genome position (GRCh38, 1-based): chr19:14,480,629, G>A on the plus strand (C>T on the coding strand, the complement: GIPC1 is on the minus strand). VCF-style: chr19-14480629-G-A. GRCh37 (hg19) VCF-style: chr19-14591441-G-A.
Other names: c.438C>T, p.Thr146= (NM_202468.3, NM_202470.3); c.147C>T, p.Thr49= (NM_202469.3, NM_202494.3).
Identifiers: ClinVar variation 3387912 (VCV003387912.14).
Genomic context (GRCh38, chr19:14,480,629, plus strand): 5'-GGGGTGCCCCGTCTCCCCAGGCACCTTGATGAAGGCGTAGCCAGCCCCGTTGTCCGTGAT[G>A]GTGAGCCCGAGTGCATCCTCCGACTTGAACACCTCCACCTCCTTGCGCTGCCCCTTCACG-3'
Protein context (NP_005707.1, residues 136-156): VFKSEDALGL[Thr146=]ITDNGAGYAF

ClinVar aggregate classification (germline): Likely benign (1 of 4 stars; one submission).

Submission:

CeGaT Center for Human Genetics Tuebingen
Classification: Likely benign. Last evaluated: 2024-11-01. Review status: criteria provided, single submitter. Criteria: CeGaT Center For Human Genetics Tuebingen Variant Classification Criteria Version 2. Collection method: clinical testing. Allele origin: germline. Affected: yes. Observed: 1 variant allele.
Comment: GIPC1: BP4, BP7, BS2